The following is an entry in ClinVar:

NM_004187.5(KDM5C):c.2332C>T (p.Arg778Ter)

Gene: KDM5C (lysine demethylase 5C; minus strand). Cytogenetic location: Xp11.22.
Variant type: single nucleotide variant.
Coding change: c.2332C>T on transcript NM_004187.5 (MANE Select); coding-DNA position 2332, C replaced by T.
Protein change: p.Arg778Ter; replaces arginine 778 with a stop codon.
Molecular consequence: nonsense. On other transcripts: non-coding transcript variant (3).
Genome position (GRCh38, 1-based): chrX:53,198,800, G>A on the plus strand (C>T on the coding strand, the complement: KDM5C is on the minus strand). VCF-style: chrX-53198800-G-A. GRCh37 (hg19) VCF-style: chrX-53227982-G-A.
Other names: c.2131C>T, p.Arg711Ter (NM_001146702.2); c.2329C>T, p.Arg777Ter (NM_001282622.3, NM_001353979.2, NM_001353982.2); c.2332C>T, p.Arg778Ter (NM_001353978.3, NM_001353981.2, NM_001353984.2); short protein forms R778*, R711*, R777*.
Identifiers: ClinVar variation 523819 (VCV000523819.8), dbSNP rs1556840029, ClinGen allele CA413118761.

ClinVar aggregate classification (germline): Pathogenic. Review status: criteria provided, multiple submitters, no conflicts (2 of 4 stars). 2 submissions from 2 submitters: Pathogenic (2). Last evaluated 2022-12-22.

Conditions:
Spastic paraplegia. Identifiers: MedGen C0037772, HP:0001258.

Submissions (2):

Labcorp Genetics (formerly Invitae), Labcorp
Classification: Pathogenic for Spastic paraplegia. Last evaluated: 2022-12-22. Review status: criteria provided, single submitter. Criteria: Invitae Variant Classification Sherloc (09022015). Collection method: clinical testing. Allele origin: germline.
Comment: This sequence change creates a premature translational stop signal (p.Arg778*) in the KDM5C gene. It is expected to result in an absent or disrupted protein product. Loss-of-function variants in KDM5C are known to be pathogenic (PMID: 15586325, 18697827). This variant is not present in population databases (gnomAD no frequency). This variant has not been reported in the literature in individuals affected with KDM5C-related conditions. ClinVar contains an entry for this variant (Variation ID: 523819). Algorithms developed to predict the effect of sequence changes on RNA splicing suggest that this variant may disrupt the consensus splice site. For these reasons, this variant has been classified as Pathogenic.

GeneDx
Classification: Pathogenic. Last evaluated: 2022-05-05. Review status: criteria provided, single submitter. Criteria: GeneDx Variant Classification Process June 2021. Collection method: clinical testing. Allele origin: germline. Affected: yes.
Comment: Nonsense variant predicted to result in protein truncation or nonsense mediated decay in a gene for which loss-of-function is a known mechanism of disease; Not observed at significant frequency in large population cohorts (gnomAD); Has not been previously published as pathogenic or benign to our knowledge

Literature cited by the submitters: PubMed 15586325 (cited by Labcorp Genetics (formerly Invitae), Labcorp); PubMed 18697827 (cited by Labcorp Genetics (formerly Invitae), Labcorp).